The following is an entry in ClinVar:

NM_013447.4(ADGRE2):c.2231C>T (p.Thr744Met)

Gene: ADGRE2 (adhesion G protein-coupled receptor E2; minus strand). Cytogenetic location: 19p13.12.
Variant type: single nucleotide variant.
Coding change: c.2231C>T on transcript NM_013447.4 (MANE Select); coding-DNA position 2231, C replaced by T.
Protein change: p.Thr744Met; replaces threonine 744 with methionine.
Molecular consequence: missense variant.
Genome position (GRCh38, 1-based): chr19:14,743,737, G>A on the plus strand (C>T on the coding strand, the complement: ADGRE2 is on the minus strand). VCF-style: chr19-14743737-G-A. GRCh37 (hg19) VCF-style: chr19-14854549-G-A.
Other names: c.2057C>T, p.Thr686Met (NM_001271052.1); c.2084C>T, p.Thr695Met (NM_152916.2); c.1952C>T, p.Thr651Met (NM_152917.2); short protein forms T695M, T744M, T651M, T686M.
Identifiers: ClinVar variation 1898759 (VCV001898759.5), dbSNP rs759637864, ClinGen allele CA9257432.

ClinVar aggregate classification (germline): Uncertain significance (1 of 4 stars; one submission).

Allele frequency attached by ClinVar (database versions not stated): TOPMed 0.00002; gnomAD 0.00004; ExAC 0.00009.

Submission:

Labcorp Genetics (formerly Invitae), Labcorp
Classification: Uncertain significance. Last evaluated: 2024-08-11. Review status: criteria provided, single submitter. Criteria: Invitae Variant Classification Sherloc (09022015). Collection method: clinical testing. Allele origin: germline.
Comment: This sequence change replaces threonine, which is neutral and polar, with methionine, which is neutral and non-polar, at codon 744 of the ADGRE2 protein (p.Thr744Met). This variant is present in population databases (rs759637864, gnomAD 0.01%). This variant has not been reported in the literature in individuals affected with ADGRE2-related conditions. ClinVar contains an entry for this variant (Variation ID: 1898759). An algorithm developed to predict the effect of missense changes on protein structure and function (PolyPhen-2) suggests that this variant is likely to be disruptive. In summary, the available evidence is currently insufficient to determine the role of this variant in disease. Therefore, it has been classified as a Variant of Uncertain Significance.